The following is an entry in ClinVar:

ClinVar aggregate classification (germline): Uncertain significance (1 of 4 stars; one submission).

Conditions:
EP300-related disorder. Also called: EP300-related condition; EP300-related disorders.

gnomAD v4.1: 3 of 1,613,296 alleles (0.00019%); highest among the groups gnomAD compares: Non-Finnish European, 0.00025%; no homozygotes.

Submission:

PreventionGenetics, part of Exact Sciences
Classification: Uncertain significance for EP300-related condition. Last evaluated: 2026-02-18. Review status: criteria provided, single submitter. Criteria: ACMG Guidelines, 2015. Collection method: clinical testing. Allele origin: germline.
Comment: The EP300 c.2998-13C>A variant is predicted to interfere with splicing. To our knowledge, this variant has not been reported in the literature or in a large population database, indicating this variant is rare. However, the use of computer prediction programs is not equivalent to functional evidence, and therefore the clinical significance of this variant is uncertain.

NM_001429.4(EP300):c.2998-13C>A

Genes: EP300 (EP300 lysine acetyltransferase; plus strand), LOC126863158 (BRD4-independent group 4 enhancer GRCh37_chr22:41547383-41548582; plus strand). Cytogenetic location: 22q13.2.
Variant type: single nucleotide variant.
Coding change: c.2998-13C>A on transcript NM_001429.4 (MANE Select); 13 bases into the intron before coding-DNA position 2998, C replaced by A.
Molecular consequence: intron variant.
Genome position (GRCh38, 1-based): chr22:41,152,193, C>A. VCF-style: chr22-41152193-C-A. GRCh37 (hg19) VCF-style: chr22-41548197-C-A.
Other names: c.2920-13C>A (NM_001362843.2).
Identifiers: ClinVar variation 3349944 (VCV003349944.2).